The following is an entry in ClinVar:

ClinVar aggregate classification (germline): Conflicting classifications of pathogenicity. Review status: criteria provided, conflicting classifications (1 of 4 stars). 3 submissions from 3 submitters: Uncertain significance (1); Likely benign (1). 1 of the submissions does not count toward it. Last evaluated 2024-03-25.

Conditions:
TALDO1-related disorder. Also called: TALDO1-related condition.
Inborn genetic diseases. Identifiers: MedGen C0950123, MeSH D030342.

Allele frequency attached by ClinVar (database versions not stated): 1000 Genomes Project 30x 0.00016.
gnomAD v4.1: 87 of 1,613,974 alleles (0.0054%); highest among the groups gnomAD compares: African/African-American, 0.11%; no homozygotes.

Submissions (3):

Ambry Genetics
Classification: Likely benign for Inborn genetic diseases. Last evaluated: 2024-03-25. Review status: criteria provided, single submitter. Criteria: Ambry Variant Classification Scheme 2023. Collection method: clinical testing. Allele origin: germline.

Labcorp Genetics (formerly Invitae), Labcorp
Classification: Uncertain significance. Last evaluated: 2022-08-09. Review status: criteria provided, single submitter. Criteria: Invitae Variant Classification Sherloc (09022015). Collection method: clinical testing. Allele origin: germline.
Comment: This sequence change affects codon 110 of the TALDO1 mRNA. It is a 'silent' change, meaning that it does not change the encoded amino acid sequence of the TALDO1 protein. It affects a nucleotide within the consensus splice site. This variant is present in population databases (rs141640651, gnomAD 0.1%). This variant has not been reported in the literature in individuals affected with TALDO1-related conditions. ClinVar contains an entry for this variant (Variation ID: 1432582). Algorithms developed to predict the effect of sequence changes on RNA splicing suggest that this variant is not likely to affect RNA splicing. In summary, the available evidence is currently insufficient to determine the role of this variant in disease. Therefore, it has been classified as a Variant of Uncertain Significance.

PreventionGenetics, part of Exact Sciences
Classification: Likely benign for TALDO1-related condition. Last evaluated: 2021-03-19. Review status: no assertion criteria provided. Collection method: clinical testing. Allele origin: germline. Not counted in ClinVar's aggregate classification.
Comment: This variant is classified as likely benign based on ACMG/AMP sequence variant interpretation guidelines (Richards et al. 2015 PMID: 25741868, with internal and published modifications).

NM_006755.2(TALDO1):c.330G>A (p.Arg110=)

Gene: TALDO1 (transaldolase 1; plus strand). Cytogenetic location: 11p15.5.
Variant type: single nucleotide variant.
Coding change: c.330G>A on transcript NM_006755.2 (MANE Select); coding-DNA position 330, G replaced by A.
Protein change: p.Arg110=; no amino-acid change (arginine 110 retained).
Molecular consequence: synonymous variant.
Genome position (GRCh38, 1-based): chr11:760,122, G>A. VCF-style: chr11-760122-G-A. GRCh37 (hg19) VCF-style: chr11-760122-G-A.
Other names: c.330G>A (NM_006755.1).
Identifiers: ClinVar variation 1432582 (VCV001432582.6), dbSNP rs141640651, ClinGen allele CA5788113.